The following is an entry in ClinVar:

NM_001942.4(DSG1):c.1248A>G (p.Arg416=)

Gene: DSG1 (desmoglein 1; plus strand). Cytogenetic location: 18q12.1.
Variant type: single nucleotide variant.
Coding change: c.1248A>G on transcript NM_001942.4 (MANE Select); coding-DNA position 1248, A replaced by G.
Protein change: p.Arg416=; no amino-acid change (arginine 416 retained).
Molecular consequence: synonymous variant.
Genome position (GRCh38, 1-based): chr18:31,336,596, A>G. VCF-style: chr18-31336596-A-G. GRCh37 (hg19) VCF-style: chr18-28916559-A-G.
Identifiers: ClinVar variation 1496905 (VCV001496905.8), dbSNP rs2071755647, ClinGen allele CA503763241.

ClinVar aggregate classification (germline): Uncertain significance (1 of 4 stars; one submission).

Allele frequency attached by ClinVar (database versions not stated): TOPMed below 0.00001.

Submission:

Labcorp Genetics (formerly Invitae), Labcorp
Classification: Uncertain significance. Last evaluated: 2020-11-13. Review status: criteria provided, single submitter. Criteria: Invitae Variant Classification Sherloc (09022015). Collection method: clinical testing. Allele origin: germline.
Comment: This variant is not present in population databases (ExAC no frequency). This sequence change affects codon 416 of the DSG1 mRNA. It is a 'silent' change, meaning that it does not change the encoded amino acid sequence of the DSG1 protein. This variant has not been reported in the literature in individuals with DSG1-related conditions. In summary, the available evidence is currently insufficient to determine the role of this variant in disease. Therefore, it has been classified as a Variant of Uncertain Significance. Algorithms developed to predict the effect of sequence changes on RNA splicing suggest that this variant may create or strengthen a splice site, but this prediction has not been confirmed by published transcriptional studies.